The following is an entry in ClinVar:

NM_201596.3(CACNB2):c.1607C>G (p.Ala536Gly)

Gene: CACNB2 (calcium voltage-gated channel auxiliary subunit beta 2; plus strand). Cytogenetic location: 10p12.31.
Variant type: single nucleotide variant.
Coding change: c.1607C>G on transcript NM_201596.3 (MANE Select); coding-DNA position 1607, C replaced by G.
Protein change: p.Ala536Gly; replaces alanine 536 with glycine.
Molecular consequence: missense variant.
Genome position (GRCh38, 1-based): chr10:18,539,348, C>G. VCF-style: chr10-18539348-C-G. GRCh37 (hg19) VCF-style: chr10-18828277-C-G.
Other names: c.1442C>G, p.Ala481Gly (NM_000724.4); c.1409C>G, p.Ala470Gly (NM_001167945.2); c.1328C>G, p.Ala443Gly (NM_001330060.2); c.1349C>G, p.Ala450Gly (NM_001410882.1); c.1463C>G, p.Ala488Gly (NM_201570.3); c.1523C>G, p.Ala508Gly (NM_201571.4); c.1451C>G, p.Ala484Gly (NM_201572.4); c.1445C>G, p.Ala482Gly (NM_201590.3); and 2 more; short protein forms A450G, A484G, A498G, A443G, A481G, A482G, A470G, A512G.
Identifiers: ClinVar variation 2777621 (VCV002777621.3), dbSNP rs1424312072, ClinGen allele CA376071471.

ClinVar aggregate classification (germline): Uncertain significance (1 of 4 stars; one submission).

Conditions:
Brugada syndrome 4 (BRGDA4). Identifiers: Orphanet 130, MedGen C2678477, MONDO:0012743, OMIM 611876.

Allele frequency attached by ClinVar (database versions not stated): gnomAD exomes below 0.00001.
gnomAD v4.1: 1 of 1,614,130 alleles (0.000062%); highest among the groups gnomAD compares: South Asian, 0.0011%; no homozygotes.

Submission:

Labcorp Genetics (formerly Invitae), Labcorp
Classification: Uncertain significance for Brugada syndrome 4. Last evaluated: 2024-01-11. Review status: criteria provided, single submitter. Criteria: Invitae Variant Classification Sherloc (09022015). Collection method: clinical testing. Allele origin: germline.
Comment: This sequence change replaces alanine, which is neutral and non-polar, with glycine, which is neutral and non-polar, at codon 482 of the CACNB2 protein (p.Ala482Gly). This variant is not present in population databases (gnomAD no frequency). This variant has not been reported in the literature in individuals affected with CACNB2-related conditions. Advanced modeling of protein sequence and biophysical properties (such as structural, functional, and spatial information, amino acid conservation, physicochemical variation, residue mobility, and thermodynamic stability) performed at Invitae indicates that this missense variant is not expected to disrupt CACNB2 protein function with a negative predictive value of 80%. In summary, the available evidence is currently insufficient to determine the role of this variant in disease. Therefore, it has been classified as a Variant of Uncertain Significance.